The following is an entry in ClinVar:

ClinVar aggregate classification (germline): Likely pathogenic (1 of 4 stars; one submission).

Conditions:
Ehlers-Danlos syndrome, type 4 (EDSVASC). Also called: Ehlers-Danlos syndrome vascular type; Ehlers Danlos syndrome, ecchymotic type; Ehlers Danlos syndrome, arterial type; Ehlers Danlos syndrome, Sack-Barabas type; Ehlers-Danlos Syndrome Type IV. Identifiers: Orphanet 286, MedGen C0268338, MONDO:0017314, OMIM 130050.

Submission:

Labcorp Genetics (formerly Invitae), Labcorp
Classification: Likely pathogenic for Ehlers-Danlos syndrome, type 4. Last evaluated: 2021-08-06. Review status: criteria provided, single submitter. Criteria: Invitae Variant Classification Sherloc (09022015). Collection method: clinical testing. Allele origin: germline.
Comment: This variant disrupts the triple helix domain of COL3A1. Glycine residues within the Gly-Xaa-Yaa repeats of the triple helix domain are required for the structure and stability of fibrillar collagens (PMID: 7695699, 8218237, 19344236). In COL3A1, variants that affect these glycine residues are significantly enriched in individuals with disease (PMID: 24922459, 25758994) compared to the general population (ExAC). This variant is not present in population databases (ExAC no frequency). This sequence change replaces glycine with alanine at codon 702 of the COL3A1 protein (p.Gly702Ala). The glycine residue is highly conserved and there is a small physicochemical difference between glycine and alanine. In summary, the currently available evidence indicates that the variant is pathogenic, but additional data are needed to prove that conclusively. Therefore, this variant has been classified as Likely Pathogenic. This variant disrupts the p.Gly702 amino acid residue in COL3A1. Other variant(s) that disrupt this residue have been observed in individuals with COL3A1-related conditions (PMID: 25758994; Invitae), which suggests that this may be a clinically significant amino acid residue. Advanced modeling of protein sequence and biophysical properties (such as structural, functional, and spatial information, amino acid conservation, physicochemical variation, residue mobility, and thermodynamic stability) performed at Invitae indicates that this missense variant is expected to disrupt COL3A1 protein function. This variant has not been reported in the literature in individuals affected with COL3A1-related conditions.

Literature cited by the submitters: PubMed 7695699; PubMed 8218237; PubMed 19344236; PubMed 24922459; PubMed 25758994.

NM_000090.4(COL3A1):c.2105G>C (p.Gly702Ala)

Gene: COL3A1 (collagen type III alpha 1 chain; plus strand). Cytogenetic location: 2q32.2.
Variant type: single nucleotide variant.
Coding change: c.2105G>C on transcript NM_000090.4 (MANE Select); coding-DNA position 2105, G replaced by C.
Protein change: p.Gly702Ala; replaces glycine 702 with alanine.
Molecular consequence: missense variant.
Genome position (GRCh38, 1-based): chr2:188,999,367, G>C. VCF-style: chr2-188999367-G-C. GRCh37 (hg19) VCF-style: chr2-189864093-G-C.
Other names: short protein forms G702A.
Identifiers: ClinVar variation 1488128 (VCV001488128.6), dbSNP rs587779512, ClinGen allele CA349840351.